The following is an entry in ClinVar:

NM_003242.6(TGFBR2):c.1121C>T (p.Pro374Leu)

Gene: TGFBR2 (transforming growth factor beta receptor 2; plus strand). Cytogenetic location: 3p24.1.
Variant type: single nucleotide variant.
Coding change: c.1121C>T on transcript NM_003242.6 (MANE Select); coding-DNA position 1121, C replaced by T.
Protein change: p.Pro374Leu; replaces proline 374 with leucine.
Molecular consequence: missense variant.
Genome position (GRCh38, 1-based): chr3:30,672,304, C>T. VCF-style: chr3-30672304-C-T. GRCh37 (hg19) VCF-style: chr3-30713796-C-T.
Other names: c.1196C>T, p.Pro399Leu (NM_001024847.3); c.1304C>T, p.Pro435Leu (NM_001407126.1); c.1229C>T, p.Pro410Leu (NM_001407127.1); c.1148C>T, p.Pro383Leu (NM_001407128.1); c.1124C>T, p.Pro375Leu (NM_001407129.1); c.1121C>T, p.Pro374Leu (NM_001407130.1); c.1016C>T, p.Pro339Leu (NM_001407132.1, NM_001407133.1, NM_001407134.1 and 2 more transcripts); c.836C>T, p.Pro279Leu (NM_001407137.1); and 1 more; short protein forms P374L, P399L, P254L, P435L, P279L, P375L, P410L, P339L.
Identifiers: ClinVar variation 392222 (VCV000392222.13), dbSNP rs1057524399, ClinGen allele CA16604508.

ClinVar aggregate classification (germline): Uncertain significance. Review status: criteria provided, multiple submitters, no conflicts (2 of 4 stars). 4 submissions from 4 submitters: Uncertain significance (4). Last evaluated 2023-07-27.

Conditions:
Familial thoracic aortic aneurysm and aortic dissection (TAAD). Also called: Thoracic aortic aneurysms and dissections. Identifiers: Orphanet 91387, MedGen C4707243, MONDO:0019625.
Loeys-Dietz syndrome 2 (LDS2). Also called: AORTIC ANEURYSM, FAMILIAL THORACIC 3; MARFAN SYNDROME, TYPE II; Marfan Syndrome type 2; Marfan like connective tissue disorder; MFS 2; Marfan syndrome, type 2 (formerly). Identifiers: Orphanet 284973, Orphanet 558, MedGen C2674574, MONDO:0012427, OMIM 610168.

Submissions (4):

GeneDx
Classification: Uncertain significance. Last evaluated: 2023-07-27. Review status: criteria provided, single submitter. Criteria: GeneDx Variant Classification Process June 2021. Collection method: clinical testing. Allele origin: germline. Affected: yes.
Comment: Has not been previously published as pathogenic or benign to our knowledge; Not observed at significant frequency in large population cohorts (gnomAD); In silico analysis supports that this missense variant has a deleterious effect on protein structure/function

All of Us Research Program, National Institutes of Health
Classification: Uncertain significance for Loeys-Dietz syndrome 2. Last evaluated: 2023-05-30. Review status: criteria provided, single submitter. Criteria: ACMG Guidelines, 2015. Collection method: clinical testing. Allele origin: germline. Inheritance: Autosomal dominant inheritance. Observed: 1 variant allele, 1 heterozygote.
Comment: This missense variant replaces proline with leucine at codon 374 of the TGFBR2 protein. Computational prediction suggests that this variant may have deleterious impact on protein structure and function (internally defined REVEL score threshold >= 0.7, PMID: 27666373). To our knowledge, functional studies have not been reported for this variant. This variant has not been reported in individuals affected with TGFBR2-related disorders in the literature. This variant has not been identified in the general population by the Genome Aggregation Database (gnomAD). The available evidence is insufficient to determine the role of this variant in disease conclusively. Therefore, this variant is classified as a Variant of Uncertain Significance.

This study involves interpretation of variants in research participants for the purpose of population health screening. Participant phenotype was not available at the time of variant classification. Additional details can be found in publication PMID: 35346344, PMCID: PMC8962531

Labcorp Genetics (formerly Invitae), Labcorp
Classification: Uncertain significance for Familial thoracic aortic aneurysm and aortic dissection. Last evaluated: 2021-10-08. Review status: criteria provided, single submitter. Criteria: Invitae Variant Classification Sherloc (09022015). Collection method: clinical testing. Allele origin: germline.
Comment: Algorithms developed to predict the effect of missense changes on protein structure and function (SIFT, PolyPhen-2, Align-GVGD) all suggest that this variant is likely to be disruptive. In summary, the available evidence is currently insufficient to determine the role of this variant in disease. Therefore, it has been classified as a Variant of Uncertain Significance. ClinVar contains an entry for this variant (Variation ID: 392222). This sequence change replaces proline with leucine at codon 374 of the TGFBR2 protein (p.Pro374Leu). The proline residue is highly conserved and there is a moderate physicochemical difference between proline and leucine. This variant is not present in population databases (ExAC no frequency). This missense change has been observed in individual(s) with clinical features of TGFBR2-related conditions (Invitae).

Ambry Genetics
Classification: Uncertain significance for Familial thoracic aortic aneurysm and aortic dissection. Last evaluated: 2020-03-16. Review status: criteria provided, single submitter. Criteria: Ambry Variant Classification Scheme 2023. Collection method: clinical testing. Allele origin: germline.
Comment: The p.P374L variant (also known as c.1121C>T), located in coding exon 4 of the TGFBR2 gene, results from a C to T substitution at nucleotide position 1121. The proline at codon 374 is replaced by leucine, an amino acid with similar properties. This amino acid position is well conserved in available vertebrate species. In addition, the in silico prediction for this alteration is inconclusive. Since supporting evidence is limited at this time, the clinical significance of this alteration remains unclear.